The following is an entry in ClinVar:

ClinVar aggregate classification (germline): Uncertain significance. Review status: reviewed by expert panel (3 of 4 stars). 6 submissions from 6 submitters: Uncertain significance (1). 5 of the submissions do not count toward it. Last evaluated 2025-08-12.

Conditions:
Monogenic diabetes. Identifiers: Orphanet 183625, MedGen C3888631, MONDO:0015967.
Fanconi renotubular syndrome 4 with maturity-onset diabetes of the young (FRTS4). Also called: FRTS4 WITH MODY. Identifiers: Orphanet 93111, MedGen C4014962, MONDO:0014458, OMIM 616026.
Maturity-onset diabetes of the young type 1. Also called: MODY type 1; Diabetes mellitus MODY type 1; MODY HNF4A related; MILD JUVENILE DIABETES MELLITUS; HNF4A-Related Maturity-Onset Diabetes of the Young Type 1; MODY, type I. Identifiers: Orphanet 552, MedGen C1852093, MONDO:0007452, OMIM 125850. Disease mechanism: loss of function.
Type 2 diabetes mellitus. Also called: Type II diabetes mellitus. Identifiers: MedGen C0011860, MeSH D003924, MONDO:0005148, OMIM 125853, HP:0005978.
Maturity-onset diabetes of the young (MODY). Also called: Maturity onset diabetes mellitus in young. Identifiers: Orphanet 552, MedGen C0342276, MONDO:0018911, HP:0004904.

Allele frequency attached by ClinVar (database versions not stated): gnomAD exomes below 0.00001; gnomAD 0.00001.
gnomAD v4.1: 16 of 1,609,660 alleles (0.00099%); highest among the groups gnomAD compares: African/African-American, 0.0027%; no homozygotes.

Submissions (6):

ClinGen Monogenic Diabetes Variant Curation Expert Panel
Classification: Uncertain significance for Monogenic diabetes. Last evaluated: 2025-08-12. Review status: reviewed by expert panel. Criteria: ClinGen Diabetes ACMG Specifications HNF4A V3.0.0. Collection method: curation. Allele origin: germline. Inheritance: Autosomal dominant inheritance.
Comment: The c.232C>T variant in the hepatocyte nuclear factor 4-alpha gene, HNF4A, causes an amino acid change of arginine to tryptophan at codon 78 (p.Arg78Trp) of NM_175914.5. This variant has a Grpmax filtering allele frequency of 0.0000069 in gnomAD v4.1.0, which falls between ClinGen MDEP-established cutoffs for PM2_Supporting and BS1; thus, neither criterion will be applied. This variant was identified in 2 unrelated individuals with non-autoimmune and non-absolute/near-absolute insulin-deficient diabetes; however, PS4_Moderate cannot be applied because the number of cases is less the MDEP threshold for PS4_Moderate and the variant does not meet PM2_Supporting (PMID: 21105941, internal lab contributors). This variant is located within the DNA binding domain (codons 37-113) which is defined as critical for the protein’s function by the ClinGen MDEP (PM1_Supporting). This variant is predicted to be deleterious by computational evidence, with a REVEL score of 0.832, which is greater than the MDEP VCEP threshold of 0.70 (PP3). In summary, c.232C>T meets the criteria to be classified as a variant of uncertain significance for monogenic diabetes. ACMG/AMP criteria applied, as specified by the ClinGen MDEP (specification version 3.0.0, approved 6/30/2025): PM1_Supporting, PP3.

Labcorp Genetics (formerly Invitae), Labcorp
Classification: Uncertain significance. Last evaluated: 2024-05-19. Review status: criteria provided, single submitter. Criteria: Invitae Variant Classification Sherloc (09022015). Collection method: clinical testing. Allele origin: germline. Not counted in ClinVar's aggregate classification.
Comment: This sequence change replaces arginine, which is basic and polar, with tryptophan, which is neutral and slightly polar, at codon 78 of the HNF4A protein (p.Arg78Trp). The frequency data for this variant in the population databases is considered unreliable, as metrics indicate poor data quality at this position in the gnomAD database. This missense change has been observed in individual(s) with young-onset diabetes (PMID: 21105491). ClinVar contains an entry for this variant (Variation ID: 447515). Advanced modeling of protein sequence and biophysical properties (such as structural, functional, and spatial information, amino acid conservation, physicochemical variation, residue mobility, and thermodynamic stability) has been performed at Invitae for this missense variant, however the output from this modeling did not meet the statistical confidence thresholds required to predict the impact of this variant on HNF4A protein function. In summary, the available evidence is currently insufficient to determine the role of this variant in disease. Therefore, it has been classified as a Variant of Uncertain Significance.

GeneDx
Classification: Uncertain significance. Last evaluated: 2023-11-02. Review status: criteria provided, single submitter. Criteria: GeneDx Variant Classification Process June 2021. Collection method: clinical testing. Allele origin: germline. Affected: yes. Not counted in ClinVar's aggregate classification.
Comment: In silico analysis supports that this missense variant has a deleterious effect on protein structure/function; In silico analysis is inconclusive as to whether the variant alters gene splicing. In the absence of RNA/functional studies, the actual effect of this sequence change is unknown.; This variant is associated with the following publications: (PMID: 18829458, 35118593, 32583173, 35052457, 21105491)

Fulgent Genetics
Classification: Uncertain significance for Maturity-onset diabetes of the young type 1; Type 2 diabetes mellitus; Fanconi renotubular syndrome 4 with maturity-onset diabetes of the young. Last evaluated: 2021-11-15. Review status: criteria provided, single submitter. Criteria: ACMG Guidelines, 2015. Collection method: clinical testing. Allele origin: unknown. Not counted in ClinVar's aggregate classification.

Athena Diagnostics
Classification: Uncertain significance. Last evaluated: 2016-08-15. Review status: criteria provided, single submitter. Criteria: Athena Diagnostics Criteria. Collection method: clinical testing. Allele origin: germline. Not counted in ClinVar's aggregate classification.

Clinical Genomics, Uppaluri K&H Personalized Medicine Clinic
Classification: Uncertain significance for Maturity-onset diabetes of the young. Review status: criteria provided, single submitter. Criteria: K & H Uppaluri Personalized Medicine Clinic Variant Classification & Assertion Criteria_Updated V.1. Collection method: research. Allele origin: unknown. Inheritance: Autosomal dominant inheritance. Not counted in ClinVar's aggregate classification.
Comment: Potent mutations in HNF4A are associated with poor insulin secretion in response to hyperglycemia. Associated with MODY1. Patients initially respond well to sulfonylureas but eventually become insulin dependent. However, more evidence is required to ascertain the role of this particular variant rs780813696 in MODY, yet.

Literature cited by the submitters: PubMed 21105491 (cited by Labcorp Genetics (formerly Invitae), Labcorp and Athena Diagnostics); DOI 10.1159/000334532 (cited by Clinical Genomics, Uppaluri K&H Personalized Medicine Clinic); PubMed 18268044 (cited by Clinical Genomics, Uppaluri K&H Personalized Medicine Clinic); PubMed 17563455 (cited by Clinical Genomics, Uppaluri K&H Personalized Medicine Clinic); PubMed 32583173 (cited by Clinical Genomics, Uppaluri K&H Personalized Medicine Clinic); PubMed 35052457 (cited by Clinical Genomics, Uppaluri K&H Personalized Medicine Clinic); PubMed 35118593 (cited by Clinical Genomics, Uppaluri K&H Personalized Medicine Clinic).

NM_175914.5(HNF4A):c.232C>T (p.Arg78Trp)

Gene: HNF4A (hepatocyte nuclear factor 4 alpha; plus strand). Cytogenetic location: 20q13.12.
Variant type: single nucleotide variant.
Coding change: c.232C>T on transcript NM_175914.5 (MANE Select); coding-DNA position 232, C replaced by T.
Protein change: p.Arg78Trp; replaces arginine 78 with tryptophan.
Molecular consequence: missense variant.
Genome position (GRCh38, 1-based): chr20:44,407,388, C>T. VCF-style: chr20-44407388-C-T. GRCh37 (hg19) VCF-style: chr20-43036028-C-T.
Other names: NM_175914.5(HNF4A):c.232C>T; p.Arg78Trp; c.298C>T, p.Arg100Trp (NM_000457.6, NM_178849.3, NM_178850.3); c.232C>T, p.Arg78Trp (NM_001030003.3, NM_001030004.3); c.277C>T, p.Arg93Trp (NM_001258355.2); c.223C>T, p.Arg75Trp (NM_001287182.2, NM_001287183.2, NM_001287184.2); c.232C>T (NM_175914.3); short protein forms R100W, R75W, R78W, R93W.
Identifiers: ClinVar variation 447515 (VCV000447515.10), dbSNP rs780813696, ClinGen allele CA409104106.